The following is an entry in ClinVar:

ClinVar aggregate classification (germline): Uncertain significance (1 of 4 stars; one submission).

Conditions:
CHARGE syndrome (CHARGE). Also called: Hittner Hirsch Kreh syndrome; CHARGE ASSOCIATION--COLOBOMA, HEART ANOMALY, CHOANAL ATRESIA, RETARDATION, GENITAL AND EAR ANOMALIES; Coloboma, heart anomaly, choanal atresia, retardation, genital and ear anomalies; CHARGE association; Hall-Hittner syndrome. Identifiers: Orphanet 138, MedGen C0265354, MONDO:0008965.

gnomAD v4.1: 1 of 1,613,694 alleles (0.000062%); highest among the groups gnomAD compares: Non-Finnish European, 0.000085%; no homozygotes.

Submission:

Labcorp Genetics (formerly Invitae), Labcorp
Classification: Uncertain significance for CHARGE syndrome. Last evaluated: 2024-09-27. Review status: criteria provided, single submitter. Criteria: Invitae Variant Classification Sherloc (09022015). Collection method: clinical testing. Allele origin: germline.
Comment: This sequence change replaces arginine, which is basic and polar, with lysine, which is basic and polar, at codon 2405 of the CHD7 protein (p.Arg2405Lys). This variant is not present in population databases (gnomAD no frequency). This variant has not been reported in the literature in individuals affected with CHD7-related conditions. Invitae Evidence Modeling of protein sequence and biophysical properties (such as structural, functional, and spatial information, amino acid conservation, physicochemical variation, residue mobility, and thermodynamic stability) indicates that this missense variant is not expected to disrupt CHD7 protein function with a negative predictive value of 95%. In summary, the available evidence is currently insufficient to determine the role of this variant in disease. Therefore, it has been classified as a Variant of Uncertain Significance.

NM_017780.4(CHD7):c.7214G>A (p.Arg2405Lys)

Gene: CHD7 (chromodomain helicase DNA binding protein 7; plus strand). Cytogenetic location: 8q12.2.
Variant type: single nucleotide variant.
Coding change: c.7214G>A on transcript NM_017780.4 (MANE Select); coding-DNA position 7214, G replaced by A.
Protein change: p.Arg2405Lys; replaces arginine 2405 with lysine.
Molecular consequence: missense variant. On other transcripts: intron variant (1).
Genome position (GRCh38, 1-based): chr8:60,856,494, G>A. VCF-style: chr8-60856494-G-A. GRCh37 (hg19) VCF-style: chr8-61769053-G-A.
Other names: c.1717-5735G>A (NM_001316690.1); short protein forms R2405K.
Identifiers: ClinVar variation 3719734 (VCV003719734.2).